The following is an entry in ClinVar:

NM_022765.4(MICAL1):c.2712T>A (p.Asn904Lys)

Gene: MICAL1 (microtubule associated monooxygenase, calponin and LIM domain containing 1; minus strand). Cytogenetic location: 6q21.
Variant type: single nucleotide variant.
Coding change: c.2712T>A on transcript NM_022765.4 (MANE Select); coding-DNA position 2712, T replaced by A.
Protein change: p.Asn904Lys; replaces asparagine 904 with lysine.
Molecular consequence: missense variant.
Genome position (GRCh38, 1-based): chr6:109,445,491, A>T on the plus strand (T>A on the coding strand, the complement: MICAL1 is on the minus strand). VCF-style: chr6-109445491-A-T. GRCh37 (hg19) VCF-style: chr6-109766694-A-T.
Other names: c.2454T>A, p.Asn818Lys (NM_001159291.2); c.2769T>A, p.Asn923Lys (NM_001286613.2); short protein forms N818K, N923K, N904K.
Identifiers: ClinVar variation 3729659 (VCV003729659.2).
Genomic context (GRCh38, chr6:109,445,491, plus strand): 5'-CCTCTTCATCTCCTCCTCCTTCGCACGGCGCAGCAGAGTCCGACGCCATGTTGGGTAGTT[A>T]TTCATGGTGCCTGAGGTCTTGGCAAAGGTCTGCAGGGCCTATAGGAGGGTCAGGCCAGTC-3'
Protein context (NP_073602.3, residues 894-914): QTFAKTSGTM[Asn904Lys]NYPTWRRTLL

ClinVar aggregate classification (germline): Uncertain significance (1 of 4 stars; one submission).

Submission:

Labcorp Genetics (formerly Invitae), Labcorp
Classification: Uncertain significance. Last evaluated: 2025-01-27. Review status: criteria provided, single submitter. Criteria: Invitae Variant Classification Sherloc (09022015). Collection method: clinical testing. Allele origin: germline.
Comment: This sequence change replaces asparagine, which is neutral and polar, with lysine, which is basic and polar, at codon 923 of the MICAL1 protein (p.Asn923Lys). This variant is not present in population databases (gnomAD no frequency). This variant has not been reported in the literature in individuals affected with MICAL1-related conditions. An algorithm developed to predict the effect of missense changes on protein structure and function (PolyPhen-2) suggests that this variant is likely to be tolerated. In summary, the available evidence is currently insufficient to determine the role of this variant in disease. Therefore, it has been classified as a Variant of Uncertain Significance.